The following is an entry in ClinVar:

NM_194454.3(KRIT1):c.999del (p.Val334fs)

Gene: KRIT1 (KRIT1 ankyrin repeat containing; minus strand). Cytogenetic location: 7q21.2.
Variant type: Deletion.
Coding change: c.999del on transcript NM_194454.3 (MANE Select); coding-DNA position 999, one base deleted (A; older notation c.999delA).
Protein change: p.Val334fs; shifts the reading frame from valine 334.
Molecular consequence: frameshift variant.
Genome position (GRCh38, 1-based): chr7:92,226,673, T deleted on the plus strand (A on the coding strand, the reverse complement: KRIT1 is on the minus strand); the first of 4 consecutive T bases (chr7:92,226,673-92,226,676); deleting any one gives the same sequence. VCF-style (leftmost placement, unchanged base first): chr7-92226672-CT-C. GRCh37 (hg19) VCF-style: chr7-91855986-CT-C.
Other names: c.999delA (NM_194456.1); c.855del, p.Val286fs (NM_001013406.2, NM_001350669.1, NM_001350670.1); c.285del, p.Val96fs (NM_001350671.1); c.999del, p.Val334fs (NM_001350672.1, NM_001350673.1, NM_001350674.1 and 26 more transcripts); short protein forms V96fs, V334fs, V286fs.
Identifiers: ClinVar variation 524040 (VCV000524040.11), dbSNP rs1554518750, ClinGen allele CA658796968.

ClinVar aggregate classification (germline): Pathogenic. Review status: criteria provided, multiple submitters, no conflicts (2 of 4 stars). 2 submissions from 2 submitters: Pathogenic (2). Last evaluated 2021-09-16.

Conditions:
Cerebral cavernous malformation (CCM). Also called: Cerebral cavernous malformations; CAVERNOUS ANGIOMA, FAMILIAL; CAVERNOUS ANGIOMATOUS MALFORMATIONS; CEREBRAL CAPILLARY MALFORMATIONS; Cavernous Hemangioma of Brain; Cerebral cavernous hemangioma (type). Identifiers: Orphanet 221061, MedGen C2919945, MONDO:0000820, OMIM 116860, HP:0033522.

Submissions (2):

GeneDx
Classification: Pathogenic. Last evaluated: 2021-09-16. Review status: criteria provided, single submitter. Criteria: GeneDx Variant Classification Process June 2021. Collection method: clinical testing. Allele origin: germline. Affected: yes.
Comment: Frameshift variant predicted to result in protein truncation or nonsense mediated decay in a gene for which loss-of-function is a known mechanism of disease; Not observed at significant frequency in large population cohorts (Lek et al., 2016); Has not been previously published as pathogenic or benign to our knowledge

Labcorp Genetics (formerly Invitae), Labcorp
Classification: Pathogenic for Cerebral cavernous malformation. Last evaluated: 2021-02-26. Review status: criteria provided, single submitter. Criteria: Invitae Variant Classification Sherloc (09022015). Collection method: clinical testing. Allele origin: germline.
Comment: For these reasons, this variant has been classified as Pathogenic. This variant has been observed in individual(s) with cerebral cavernous malformations (Invitae). ClinVar contains an entry for this variant (Variation ID: 524040). This variant is not present in population databases (ExAC no frequency). This sequence change creates a premature translational stop signal (p.Val334Leufs*8) in the KRIT1 gene. It is expected to result in an absent or disrupted protein product. Loss-of-function variants in KRIT1 are known to be pathogenic (PMID: 10508515, 11222804, 12404106, 24689081).

Literature cited by the submitters: PubMed 10508515 (cited by Labcorp Genetics (formerly Invitae), Labcorp); PubMed 11222804 (cited by Labcorp Genetics (formerly Invitae), Labcorp); PubMed 12404106 (cited by Labcorp Genetics (formerly Invitae), Labcorp); PubMed 24689081 (cited by Labcorp Genetics (formerly Invitae), Labcorp).